The following is an entry in ClinVar:

NM_000426.4(LAMA2):c.1074T>G (p.Asn358Lys)

Gene: LAMA2 (laminin subunit alpha 2; plus strand). Cytogenetic location: 6q22.33.
Variant type: single nucleotide variant.
Coding change: c.1074T>G on transcript NM_000426.4 (MANE Select); coding-DNA position 1074, T replaced by G.
Protein change: p.Asn358Lys; replaces asparagine 358 with lysine.
Molecular consequence: missense variant.
Genome position (GRCh38, 1-based): chr6:129,154,551, T>G. VCF-style: chr6-129154551-T-G. GRCh37 (hg19) VCF-style: chr6-129475696-T-G.
Other names: c.1074T>G, p.Asn358Lys (NM_001079823.2); short protein forms N358K.
Identifiers: ClinVar variation 1440343 (VCV001440343.5), dbSNP rs770615109, ClinGen allele CA3992517.

ClinVar aggregate classification (germline): Uncertain significance (1 of 4 stars; one submission).

Conditions:
LAMA2-related muscular dystrophy (LAMA2-RD). Also called: Laminin alpha 2-related dystrophy. Identifiers: MedGen C5679788, MONDO:0100228.

Allele frequency attached by ClinVar (database versions not stated): TOPMed below 0.00001; gnomAD exomes 0.00001 and 0.00002; ExAC 0.00003.
gnomAD v4.1: 6 of 1,614,044 alleles (0.00037%); highest among the groups gnomAD compares: Admixed American, 0.01%; no homozygotes.

Submission:

Labcorp Genetics (formerly Invitae), Labcorp
Classification: Uncertain significance for LAMA2-related muscular dystrophy. Last evaluated: 2024-02-23. Review status: criteria provided, single submitter. Criteria: Invitae Variant Classification Sherloc (09022015). Collection method: clinical testing. Allele origin: germline.
Comment: This sequence change replaces asparagine, which is neutral and polar, with lysine, which is basic and polar, at codon 358 of the LAMA2 protein (p.Asn358Lys). This variant is present in population databases (rs770615109, gnomAD 0.01%). This variant has not been reported in the literature in individuals affected with LAMA2-related conditions. ClinVar contains an entry for this variant (Variation ID: 1440343). Advanced modeling of protein sequence and biophysical properties (such as structural, functional, and spatial information, amino acid conservation, physicochemical variation, residue mobility, and thermodynamic stability) performed at Invitae indicates that this missense variant is not expected to disrupt LAMA2 protein function with a negative predictive value of 95%. In summary, the available evidence is currently insufficient to determine the role of this variant in disease. Therefore, it has been classified as a Variant of Uncertain Significance.